The following is an entry in ClinVar:

NM_003114.5(SPAG1):c.1586T>C (p.Met529Thr)

Gene: SPAG1 (sperm associated antigen 1; plus strand). Cytogenetic location: 8q22.2.
Variant type: single nucleotide variant.
Coding change: c.1586T>C on transcript NM_003114.5 (MANE Select); coding-DNA position 1586, T replaced by C.
Protein change: p.Met529Thr; replaces methionine 529 with threonine.
Molecular consequence: missense variant.
Genome position (GRCh38, 1-based): chr8:100,220,329, T>C. VCF-style: chr8-100220329-T-C. GRCh37 (hg19) VCF-style: chr8-101232557-T-C.
Other names: p.Met529Thr; c.1586T>C, p.Met529Thr (NM_001374321.1, NM_172218.3); short protein forms M529T.
Identifiers: ClinVar variation 242013 (VCV000242013.20), dbSNP rs78436093, ClinGen allele CA4827543.

ClinVar aggregate classification (germline): Benign/Likely benign. Review status: criteria provided, multiple submitters, no conflicts (2 of 4 stars). 7 submissions from 7 submitters: Benign (5); Likely benign (1). 1 of the submissions does not count toward it. Last evaluated 2026-02-01.

Conditions:
Primary ciliary dyskinesia 28. Also called: CILIARY DYSKINESIA, PRIMARY, 28, WITH OR WITHOUT SITUS INVERSUS. Identifiers: Orphanet 244, MedGen C3809706, MONDO:0014216, OMIM 615505.
SPAG1-related disorder. Also called: SPAG1-related condition.
Primary ciliary dyskinesia. Also called: Ciliary dyskinesia. Identifiers: Orphanet 244, MedGen C0008780, MONDO:0016575, HP:0012265.

Allele frequency attached by ClinVar (database versions not stated): gnomAD exomes 0.00063 and 0.00176; ExAC 0.00209; gnomAD 0.00714 and 0.00763; ESP Exome Variant Server 0.00777; TOPMed 0.00811; 1000 Genomes Project 0.00859; 1000 Genomes Project 30x 0.00968.
gnomAD v4.1: 2,078 of 1,614,128 alleles (0.13%); highest among the groups gnomAD compares: African/African-American, 2.3%; 26 homozygotes.

Submissions (7):

Labcorp Genetics (formerly Invitae), Labcorp
Classification: Benign for Primary ciliary dyskinesia 28. Last evaluated: 2026-02-01. Review status: criteria provided, single submitter. Criteria: Invitae Variant Classification Sherloc (09022015). Collection method: clinical testing. Allele origin: germline.

Mayo Clinic Laboratories, Mayo Clinic
Classification: Benign. Last evaluated: 2025-01-14. Review status: criteria provided, single submitter. Criteria: ACMG Guidelines, 2015. Collection method: clinical testing. Allele origin: germline. Observed: 2 variant alleles.
Comment: BS1, BS2

GeneDx
Classification: Likely benign. Last evaluated: 2024-07-26. Review status: criteria provided, single submitter. Criteria: GeneDx Variant Classification Process June 2021. Collection method: clinical testing. Allele origin: germline. Affected: yes.
Comment: See Variant Classification Assertion Criteria.

ARUP Laboratories, Molecular Genetics and Genomics, ARUP Laboratories
Classification: Benign for Primary ciliary dyskinesia 28. Last evaluated: 2023-10-16. Review status: criteria provided, single submitter. Criteria: ARUP Molecular Germline Variant Investigation Process 2024. Collection method: clinical testing. Allele origin: germline.

Ambry Genetics
Classification: Benign for Primary ciliary dyskinesia. Last evaluated: 2016-09-12. Review status: criteria provided, single submitter. Criteria: Ambry Variant Classification Scheme 2023. Collection method: clinical testing. Allele origin: germline.

Breakthrough Genomics
Classification: Benign. Review status: criteria provided, single submitter. Criteria: ACMG Guidelines, 2015. Collection method: not provided. Allele origin: germline. Inheritance: Autosomal recessive inheritance. Affected: yes.

PreventionGenetics, part of Exact Sciences
Classification: Benign for SPAG1-related condition. Last evaluated: 2022-10-17. Review status: no assertion criteria provided. Collection method: clinical testing. Allele origin: germline. Not counted in ClinVar's aggregate classification.
Comment: This variant is classified as benign based on ACMG/AMP sequence variant interpretation guidelines (Richards et al. 2015 PMID: 25741868, with internal and published modifications).